The following is an entry in ClinVar:

NM_152564.5(VPS13B):c.10001_10002del (p.Thr3334fs)

Gene: VPS13B (vacuolar protein sorting 13 homolog B; plus strand). Cytogenetic location: 8q22.2.
Variant type: Microsatellite.
Coding change: c.10001_10002del on transcript NM_152564.5 (MANE Select); coding-DNA positions 10001 to 10002, 2 bases deleted (CA; older notation c.10001_10002delCA).
Protein change: p.Thr3334fs; shifts the reading frame from threonine 3334.
Molecular consequence: frameshift variant.
Genome position (GRCh38, 1-based): chr8:99,848,834-99,848,835, CA deleted; deleting any 2 consecutive bases within chr8:99,848,832-99,848,835 gives the same sequence; the c. name uses the placement nearest the transcript's 3' end. VCF-style (leftmost placement, unchanged base first): chr8-99848831-GCA-G. GRCh37 (hg19) VCF-style: chr8-100861059-GCA-G.
Other names: c.10076_10077delCA (NM_017890.4); c.10076_10077del, p.Thr3359fs (NM_017890.5); short protein forms T3334fs, T3359fs.
Identifiers: ClinVar variation 56628 (VCV000056628.8), dbSNP rs386834054, ClinGen allele CA263993.
Genomic context (GRCh38, chr8:99,848,831, plus strand): 5'-TGCAGGTTGTGTTCCTGACTGGCTTTGGCTATGTGTATGTGGATGTTGTACATCAGTGTG[GCA>G]CAGTCTTCATCACTGTGGCCCCAGAAGGAAAAGCAGGACCTATTTTAACCAATACCAACA-3'

ClinVar aggregate classification (germline): Pathogenic. Review status: criteria provided, single submitter (1 of 4 stars). 3 submissions from 3 submitters: Pathogenic (1). 2 of the submissions do not count toward it. Last evaluated 2021-03-22.

Conditions:
Cohen syndrome (COH1). Also called: PEPPER SYNDROME; Cutis verticis gyrata, retinitis pigmentosa, and sensorineural deafness. Identifiers: Orphanet 193, MedGen C0265223, MONDO:0008999, OMIM 216550.

Submissions (3):

Labcorp Genetics (formerly Invitae), Labcorp
Classification: Pathogenic for Cohen syndrome. Last evaluated: 2021-03-22. Review status: criteria provided, single submitter. Criteria: Invitae Variant Classification Sherloc (09022015). Collection method: clinical testing. Allele origin: germline.
Comment: This sequence change creates a premature translational stop signal (p.Thr3359Serfs*29) in the VPS13B gene. It is expected to result in an absent or disrupted protein product. Loss-of-function variants in VPS13B are known to be pathogenic (PMID: 15141358, 16648375, 20461111). For these reasons, this variant has been classified as Pathogenic. This variant has been observed in individual(s) with Cohen syndrome (PMID: 17990063). This variant is also known as c.10074_ 10075delCA (p.G3358fs29). ClinVar contains an entry for this variant (Variation ID: 56628). This variant is not present in population databases (ExAC no frequency).

Juha Muilu Group; Institute for Molecular Medicine Finland (FIMM)
Classification: Likely pathogenic for Cohen syndrome. Review status: no assertion criteria provided. Collection method: not provided. Allele origin: unknown. Not counted in ClinVar's aggregate classification.
Comment: FinDis database variant: This variant was not found or characterized by our laboratory, data were collected from public sources: see reference
ClinVar note: Converted during submission from probable-pathogenic to Likely pathogenic.

Service de Génétique Moléculaire, Hôpital Robert Debré
Classification: Likely pathogenic for Cohen syndrome. Review status: no assertion criteria provided. Collection method: clinical testing. Allele origin: unknown. Affected: yes. Not counted in ClinVar's aggregate classification.

Literature cited by the submitters: PubMed 15141358 (cited by Labcorp Genetics (formerly Invitae), Labcorp); PubMed 16648375 (cited by Labcorp Genetics (formerly Invitae), Labcorp); PubMed 20461111 (cited by Labcorp Genetics (formerly Invitae), Labcorp); PubMed 17990063 (cited by Labcorp Genetics (formerly Invitae), Labcorp).